The following is an entry in ClinVar:

ClinVar aggregate classification (germline): Uncertain significance (1 of 4 stars; one submission).

Conditions:
Familial encephalopathy with neuroserpin inclusion bodies. Also called: ENCEPHALOPATHY, FAMILIAL, WITH COLLINS BODIES. Identifiers: Orphanet 85110, MedGen C1858680, MONDO:0011412, OMIM 604218.

Allele frequency attached by ClinVar (database versions not stated): TOPMed below 0.00001; gnomAD 0.00001; gnomAD exomes 0.00001; ExAC 0.00002.

Submission:

Labcorp Genetics (formerly Invitae), Labcorp
Classification: Uncertain significance for Familial encephalopathy with neuroserpin inclusion bodies. Last evaluated: 2021-01-19. Review status: criteria provided, single submitter. Criteria: Invitae Variant Classification Sherloc (09022015). Collection method: clinical testing. Allele origin: germline.
Comment: In summary, the available evidence is currently insufficient to determine the role of this variant in disease. Therefore, it has been classified as a Variant of Uncertain Significance. Advanced modeling of protein sequence and biophysical properties (such as structural, functional, and spatial information, amino acid conservation, physicochemical variation, residue mobility, and thermodynamic stability) performed at Invitae indicates that this missense variant is not expected to disrupt SERPINI1 protein function. This variant has not been reported in the literature in individuals with SERPINI1-related conditions. This variant is present in population databases (rs768598501, ExAC 0.003%). This sequence change replaces methionine with lysine at codon 106 of the SERPINI1 protein (p.Met106Lys). The methionine residue is moderately conserved and there is a moderate physicochemical difference between methionine and lysine.

NM_001122752.2(SERPINI1):c.317T>A (p.Met106Lys)

Gene: SERPINI1 (serpin family I member 1; plus strand). Cytogenetic location: 3q26.1.
Variant type: single nucleotide variant.
Coding change: c.317T>A on transcript NM_001122752.2 (MANE Select); coding-DNA position 317, T replaced by A.
Protein change: p.Met106Lys; replaces methionine 106 with lysine.
Molecular consequence: missense variant.
Genome position (GRCh38, 1-based): chr3:167,790,438, T>A. VCF-style: chr3-167790438-T-A. GRCh37 (hg19) VCF-style: chr3-167508226-T-A.
Other names: c.317T>A, p.Met106Lys (NM_005025.5); short protein forms M106K.
Identifiers: ClinVar variation 1466575 (VCV001466575.8), dbSNP rs768598501, ClinGen allele CA2694779.